The following is an entry in ClinVar:

NM_003597.5(KLF11):c.351A>G (p.Pro117=)

Gene: KLF11 (KLF transcription factor 11; plus strand). Cytogenetic location: 2p25.1.
Variant type: single nucleotide variant.
Coding change: c.351A>G on transcript NM_003597.5 (MANE Select); coding-DNA position 351, A replaced by G.
Protein change: p.Pro117=; no amino-acid change (proline 117 retained).
Molecular consequence: synonymous variant.
Genome position (GRCh38, 1-based): chr2:10,047,688, A>G. VCF-style: chr2-10047688-A-G. GRCh37 (hg19) VCF-style: chr2-10187815-A-G.
Other names: c.300A>G, p.Pro100= (NM_001177716.2, NM_001177718.2).
Identifiers: ClinVar variation 894353 (VCV000894353.12), dbSNP rs781433096, ClinGen allele CA1525493.

ClinVar aggregate classification (germline): Conflicting classifications of pathogenicity. Review status: criteria provided, conflicting classifications (1 of 4 stars). 3 submissions from 3 submitters: Uncertain significance (1); Likely benign (1). 1 of the submissions does not count toward it. Last evaluated 2025-09-01.

Conditions:
KLF11-related disorder. Also called: KLF11-related condition.
Maturity-onset diabetes of the young type 7 (MODY7). Identifiers: Orphanet 552, MedGen C1864839, MONDO:0012513, OMIM 610508.

Allele frequency attached by ClinVar (database versions not stated): gnomAD exomes below 0.00001 and 0.00001; ExAC 0.00001; TOPMed 0.00002.
gnomAD v4.1: 8 of 1,613,268 alleles (0.0005%); highest among the groups gnomAD compares: Non-Finnish European, 0.00059%; no homozygotes.

Submissions (3):

CeGaT Center for Human Genetics Tuebingen
Classification: Likely benign. Last evaluated: 2025-09-01. Review status: criteria provided, single submitter. Criteria: CeGaT Center For Human Genetics Tuebingen Variant Classification Criteria Version 2. Collection method: clinical testing. Allele origin: germline. Affected: yes. Observed: 1 variant allele.
Comment: KLF11: BP4, BP7

Illumina Laboratory Services, Illumina
Classification: Uncertain significance for Maturity-onset diabetes of the young type 7. Last evaluated: 2018-01-13. Review status: criteria provided, single submitter. Criteria: ICSL Variant Classification Criteria 13 December 2019. Collection method: clinical testing. Allele origin: germline.

PreventionGenetics, part of Exact Sciences
Classification: Likely benign for KLF11-related condition. Last evaluated: 2019-08-29. Review status: no assertion criteria provided. Collection method: clinical testing. Allele origin: germline. Not counted in ClinVar's aggregate classification.
Comment: This variant is classified as likely benign based on ACMG/AMP sequence variant interpretation guidelines (Richards et al. 2015 PMID: 25741868, with internal and published modifications).